The following is an entry in ClinVar:

ClinVar aggregate classification (germline): Uncertain significance (1 of 4 stars; one submission).

Conditions:
Inborn genetic diseases. Identifiers: MedGen C0950123, MeSH D030342.

Submission:

Ambry Genetics
Classification: Uncertain significance for Inborn genetic diseases. Last evaluated: 2023-07-26. Review status: criteria provided, single submitter. Criteria: Ambry Variant Classification Scheme 2023. Collection method: clinical testing. Allele origin: germline.
Comment: The p.W1800R variant (also known as c.5398T>C), located in coding exon 32 of the ATR gene, results from a T to C substitution at nucleotide position 5398. The tryptophan at codon 1800 is replaced by arginine, an amino acid with dissimilar properties. This amino acid position is conserved. In addition, the in silico prediction for this alteration is inconclusive. Since supporting evidence is limited at this time, the clinical significance of this alteration remains unclear.

NM_001184.4(ATR):c.5398T>C (p.Trp1800Arg)

Gene: ATR (ATR checkpoint kinase; minus strand). Cytogenetic location: 3q23.
Variant type: single nucleotide variant.
Coding change: c.5398T>C on transcript NM_001184.4 (MANE Select); coding-DNA position 5398, T replaced by C.
Protein change: p.Trp1800Arg; replaces tryptophan 1800 with arginine.
Molecular consequence: missense variant.
Genome position (GRCh38, 1-based): chr3:142,498,757, A>G on the plus strand (T>C on the coding strand, the complement: ATR is on the minus strand). VCF-style: chr3-142498757-A-G. GRCh37 (hg19) VCF-style: chr3-142217599-A-G.
Other names: c.5206T>C, p.Trp1736Arg (NM_001354579.2); short protein forms W1800R, W1736R.
Identifiers: ClinVar variation 2587572 (VCV002587572.2), dbSNP rs2031787188, ClinGen allele CA354816370.